The following is an entry in ClinVar:

NM_003482.4(KMT2D):c.7835C>G (p.Pro2612Arg)

Gene: KMT2D (lysine methyltransferase 2D; minus strand). Cytogenetic location: 12q13.12.
Variant type: single nucleotide variant.
Coding change: c.7835C>G on transcript NM_003482.4 (MANE Select); coding-DNA position 7835, C replaced by G.
Protein change: p.Pro2612Arg; replaces proline 2612 with arginine.
Molecular consequence: missense variant.
Genome position (GRCh38, 1-based): chr12:49,039,935, G>C on the plus strand (C>G on the coding strand, the complement: KMT2D is on the minus strand). VCF-style: chr12-49039935-G-C. GRCh37 (hg19) VCF-style: chr12-49433718-G-C.
Other names: short protein forms P2612R.
Identifiers: ClinVar variation 2809808 (VCV002809808.4), dbSNP rs372935294, ClinGen allele CA384746716.

ClinVar aggregate classification (germline): Uncertain significance. Review status: criteria provided, multiple submitters, no conflicts (2 of 4 stars). 2 submissions from 2 submitters: Uncertain significance (2). Last evaluated 2024-04-05.

Conditions:
Kabuki syndrome. Also called: NIIKAWA-KUROKI SYNDROME; Kabuki make-up syndrome. Identifiers: Orphanet 2322, MedGen C0796004, MONDO:0016512.
Kabuki syndrome 1 (KABUK1). Also called: KMT2D-Related Kabuki Syndrome. Identifiers: Orphanet 2322, MedGen CN030661, MONDO:0007843, OMIM 147920.

Submissions (2):

Labcorp Genetics (formerly Invitae), Labcorp
Classification: Uncertain significance for Kabuki syndrome. Last evaluated: 2024-04-05. Review status: criteria provided, single submitter. Criteria: Invitae Variant Classification Sherloc (09022015). Collection method: clinical testing. Allele origin: germline.
Comment: This sequence change replaces proline, which is neutral and non-polar, with arginine, which is basic and polar, at codon 2612 of the KMT2D protein (p.Pro2612Arg). This variant is not present in population databases (gnomAD no frequency). This variant has not been reported in the literature in individuals affected with KMT2D-related conditions. Advanced modeling of protein sequence and biophysical properties (such as structural, functional, and spatial information, amino acid conservation, physicochemical variation, residue mobility, and thermodynamic stability) performed at Invitae indicates that this missense variant is not expected to disrupt KMT2D protein function with a negative predictive value of 95%. In summary, the available evidence is currently insufficient to determine the role of this variant in disease. Therefore, it has been classified as a Variant of Uncertain Significance.

Baylor Genetics
Classification: Uncertain significance for Kabuki syndrome 1. Last evaluated: 2024-02-19. Review status: criteria provided, single submitter. Criteria: ACMG Guidelines, 2015. Collection method: clinical testing. Allele origin: unknown.